The following is an entry in ClinVar:

NM_001197104.2(KMT2A):c.10210C>A (p.Pro3404Thr)

Gene: KMT2A (lysine methyltransferase 2A; plus strand). Cytogenetic location: 11q23.3.
Variant type: single nucleotide variant.
Coding change: c.10210C>A on transcript NM_001197104.2 (MANE Select); coding-DNA position 10210, C replaced by A.
Protein change: p.Pro3404Thr; replaces proline 3404 with threonine.
Molecular consequence: missense variant.
Genome position (GRCh38, 1-based): chr11:118,506,102, C>A. VCF-style: chr11-118506102-C-A. GRCh37 (hg19) VCF-style: chr11-118376817-C-A.
Other names: c.10201C>A, p.Pro3401Thr (NM_005933.4); short protein forms P3401T, P3404T.
Identifiers: ClinVar variation 1383621 (VCV001383621.6), dbSNP rs782311824, ClinGen allele CA6304705.
Genomic context (GRCh38, chr11:118,506,102, plus strand): 5'-CTTTTAATCAAAGCTAGCCAGCAGAGCCTGGGGATTCAGGACCAGCCTGTGGCTTTACCG[C>A]CAAGTTCAGGAATGTTTCCACAACTGGGGACATCACAGACCCCCTCTACTGCTGCAATAA-3'
Protein context (NP_001184033.1, residues 3394-3414): GIQDQPVALP[Pro3404Thr]SSGMFPQLGT

ClinVar aggregate classification (germline): Uncertain significance (1 of 4 stars; one submission).

Allele frequency attached by ClinVar (database versions not stated): gnomAD 0.00001; TOPMed 0.00001.
gnomAD v4.1: 15 of 1,614,062 alleles (0.00093%); highest among the groups gnomAD compares: Non-Finnish European, 0.0013%; no homozygotes.

Submission:

Labcorp Genetics (formerly Invitae), Labcorp
Classification: Uncertain significance. Last evaluated: 2024-10-18. Review status: criteria provided, single submitter. Criteria: Invitae Variant Classification Sherloc (09022015). Collection method: clinical testing. Allele origin: germline.
Comment: This sequence change replaces proline, which is neutral and non-polar, with threonine, which is neutral and polar, at codon 3404 of the KMT2A protein (p.Pro3404Thr). This variant is not present in population databases (gnomAD no frequency). This variant has not been reported in the literature in individuals affected with KMT2A-related conditions. ClinVar contains an entry for this variant (Variation ID: 1383621). Invitae Evidence Modeling of protein sequence and biophysical properties (such as structural, functional, and spatial information, amino acid conservation, physicochemical variation, residue mobility, and thermodynamic stability) indicates that this missense variant is not expected to disrupt KMT2A protein function with a negative predictive value of 95%. In summary, the available evidence is currently insufficient to determine the role of this variant in disease. Therefore, it has been classified as a Variant of Uncertain Significance.